The following is an entry in ClinVar:

ClinVar aggregate classification (germline): Benign. Review status: criteria provided, multiple submitters, no conflicts (2 of 4 stars). 6 submissions from 6 submitters: Benign (6). Last evaluated 2026-02-04.

Conditions:
Microcephalic osteodysplastic primordial dwarfism type II (MOPD2). Also called: Microcephalic osteodysplastic primordial dwarfism with tooth abnormalities; MOPD II; OSTEODYSPLASTIC PRIMORDIAL DWARFISM, TYPE II. Identifiers: Orphanet 2637, MedGen C0432246, MONDO:0008872, OMIM 210720.

Allele frequency attached by ClinVar (database versions not stated): gnomAD exomes 0.09488; ExAC 0.10216; 1000 Genomes Project 0.17812; gnomAD 0.18249; 1000 Genomes Project 30x 0.18504; TOPMed 0.18667; ESP Exome Variant Server 0.19022.
gnomAD v4.1: 145,591 of 1,612,646 alleles (9%); highest among the groups gnomAD compares: African/African-American, 44%; 12,049 homozygotes.

Submissions (6):

Labcorp Genetics (formerly Invitae), Labcorp
Classification: Benign. Last evaluated: 2026-02-04. Review status: criteria provided, single submitter. Criteria: Invitae Variant Classification Sherloc (09022015). Collection method: clinical testing. Allele origin: germline.

Illumina Laboratory Services, Illumina
Classification: Benign for Microcephalic osteodysplastic primordial dwarfism type II. Last evaluated: 2018-01-13. Review status: criteria provided, single submitter. Criteria: ICSL Variant Classification Criteria 13 December 2019. Collection method: clinical testing. Allele origin: germline.
Comment: This variant was observed in the ICSL laboratory as part of a predisposition screen in an ostensibly healthy population. It had not been previously curated by ICSL or reported in the Human Gene Mutation Database (HGMD: prior to June 1st, 2018), and was therefore a candidate for classification through an automated scoring system. Utilizing variant allele frequency, disease prevalence and penetrance estimates, and inheritance mode, an automated score was calculated to assess if this variant is too frequent to cause the disease. Based on the score and internal cut-off values, a variant classified as benign is not then subjected to further curation. The score for this variant resulted in a classification of benign for this disease.

GeneDx
Classification: Benign. Last evaluated: 2014-02-26. Review status: criteria provided, single submitter. Criteria: GeneDx Variant Classification (06012015). Collection method: clinical testing. Allele origin: germline. Affected: yes.
Comment: This variant is considered likely benign or benign based on one or more of the following criteria: it is a conservative change, it occurs at a poorly conserved position in the protein, it is predicted to be benign by multiple in silico algorithms, and/or has population frequency not consistent with disease.

Eurofins Ntd Llc (ga)
Classification: Benign. Last evaluated: 2013-08-07. Review status: criteria provided, single submitter. Criteria: EGL Classification Definitions 2015. Collection method: clinical testing. Allele origin: germline. Observed: 3 variant alleles, 2 heterozygotes, 1 homozygote.

Genetic Services Laboratory, University of Chicago
Classification: Benign. Last evaluated: 2013-02-08. Review status: criteria provided, single submitter. Criteria: ACMG Guidelines, 2007. Collection method: clinical testing. Allele origin: germline. Inheritance: Autosomal recessive inheritance.

Breakthrough Genomics
Classification: Benign. Review status: criteria provided, single submitter. Criteria: ACMG Guidelines, 2015. Collection method: not provided. Allele origin: germline. Inheritance: Autosomal recessive inheritance. Affected: yes.

NM_006031.6(PCNT):c.5631C>T (p.Ile1877=)

Gene: PCNT (pericentrin; plus strand). Cytogenetic location: 21q22.3.
Variant type: single nucleotide variant.
Coding change: c.5631C>T on transcript NM_006031.6 (MANE Select); coding-DNA position 5631, C replaced by T.
Protein change: p.Ile1877=; no amino-acid change (isoleucine 1877 retained).
Molecular consequence: synonymous variant.
Genome position (GRCh38, 1-based): chr21:46,411,704, C>T. VCF-style: chr21-46411704-C-T. GRCh37 (hg19) VCF-style: chr21-47831618-C-T.
Other names: p.I1877I:ATC>ATT; c.5277C>T, p.Ile1759= (NM_001315529.2).
Identifiers: ClinVar variation 95337 (VCV000095337.21), dbSNP rs16979162, ClinGen allele CA148443.
Genomic context (GRCh38, chr21:46,411,704, plus strand): 5'-GGAGTTCGAAGCGGCCCTGAAAGCAAAGGAAGCGACGATTGCCGAGAGAAATTTAGAAAT[C>T]GACGCTCTGAACCAGCGGAAGGCGGCCCACTCTGCCGAGCTGGAGGCCGTCCTGTTGGCC-3'
Protein context (NP_006022.3, residues 1867-1887): EATIAERNLE[Ile1877=]DALNQRKAAH